The following is an entry in ClinVar:

NM_005120.3(MED12):c.1562G>A (p.Arg521His)

Genes: MED12 (mediator complex subunit 12; plus strand), LOC126863275 (BRD4-independent group 4 enhancer GRCh37_chrX:70342400-70343599; plus strand). Cytogenetic location: Xq13.1.
Variant type: single nucleotide variant.
Coding change: c.1562G>A on transcript NM_005120.3 (MANE Select); coding-DNA position 1562, G replaced by A.
Protein change: p.Arg521His; replaces arginine 521 with histidine.
Molecular consequence: missense variant.
Genome position (GRCh38, 1-based): chrX:71,123,171, G>A. VCF-style: chrX-71123171-G-A. GRCh37 (hg19) VCF-style: chrX-70343021-G-A.
Other names: short protein forms R521H.
Identifiers: ClinVar variation 225897 (VCV000225897.6), dbSNP rs875989806, ClinGen allele CA10576140.

ClinVar aggregate classification (germline): Uncertain significance. Review status: criteria provided, multiple submitters, no conflicts (2 of 4 stars). 3 submissions from 3 submitters: Uncertain significance (2). 1 of the submissions does not count toward it. Last evaluated 2020-06-30.

Conditions:
MED12-Related Disorders. Also called: MED12-related condition; MED12-related disorder. Identifiers: MedGen CN381102.

Allele frequency attached by ClinVar (database versions not stated): gnomAD exomes below 0.00001 and 0.00001.
gnomAD v4.1: 1 of 1,211,571 alleles (0.000083%); no homozygotes.

Submissions (3):

GeneDx
Classification: Uncertain significance. Last evaluated: 2020-06-30. Review status: criteria provided, single submitter. Criteria: GeneDx Variant Classification Process June 2021. Collection method: clinical testing. Allele origin: germline. Affected: yes.
Comment: Not observed at a significant frequency in large population cohorts (Lek et al., 2016); In silico analysis supports that this missense variant has a deleterious effect on protein structure/function; This variant is associated with the following publications: (PMID: 27159028, 28369444, 26813965)

Center for Human Genetics, University of Leuven
Classification: Uncertain significance. Last evaluated: 2015-01-01. Review status: criteria provided, single submitter. Criteria: Fieremans et al. (Hum Mutat 2016). Collection method: literature only. Allele origin: de novo. Inheritance: Sporadic. Observed: 1 variant allele.

PreventionGenetics, part of Exact Sciences
Classification: Likely pathogenic for MED12-related condition. Last evaluated: 2024-08-12. Review status: no assertion criteria provided. Collection method: clinical testing. Allele origin: germline. Not counted in ClinVar's aggregate classification.
Comment: The MED12 c.1562G>A variant is predicted to result in the amino acid substitution p.Arg521His. This variant is reported in 0.013% of alleles in individuals of Ashkenazi Jewish descent in gnomAD. This variant is classified as likely pathogenic.